The following is an entry in ClinVar:

NM_025243.4(SLC19A3):c.153A>G (p.Ile51Met)

Gene: SLC19A3 (solute carrier family 19 member 3; minus strand). Cytogenetic location: 2q36.3.
Variant type: single nucleotide variant.
Coding change: c.153A>G on transcript NM_025243.4 (MANE Select); coding-DNA position 153, A replaced by G.
Protein change: p.Ile51Met; replaces isoleucine 51 with methionine.
Molecular consequence: missense variant.
Genome position (GRCh38, 1-based): chr2:227,699,562, T>C on the plus strand (A>G on the coding strand, the complement: SLC19A3 is on the minus strand). VCF-style: chr2-227699562-T-C. GRCh37 (hg19) VCF-style: chr2-228564278-T-C.
Other names: c.153A>G, p.Ile51Met (NM_001371411.1, NM_001371412.1); c.141A>G, p.Ile47Met (NM_001371413.1, NM_001371414.1); short protein forms I51M, I47M.
Identifiers: ClinVar variation 3720421 (VCV003720421.2).
Genomic context (GRCh38, chr2:227,699,562, plus strand): 5'-AAACACAGGCAGCAGCAGCACCAGGTAGGAGTATGTCCAAACGGGGAAGATCTCATTTGT[T>C]ATCTGCAAAGTTGGTAAATTGCATGACCACGAAGCACCGGTACTTTACTAAGGTACCTGT-3'
Protein context (NP_079519.1, residues 41-61): GPDKNLTSAE[Ile51Met]TNEIFPVWTY

ClinVar aggregate classification (germline): Uncertain significance (1 of 4 stars; one submission).

Conditions:
Biotin-responsive basal ganglia disease (BTBGD). Also called: THIAMINE METABOLISM DYSFUNCTION SYNDROME 2 (BIOTIN- AND THIAMINE-RESPONSIVE TYPE); Thiamine Transporter-2 Deficiency; Thiamine metabolism dysfunction syndrome type 2; Thiamine metabolism dysfunction syndrome 2 (biotin- or thiamine-responsive encephalopathy type 2); thiamine-responsive encephalopathy. Identifiers: Orphanet 199348, Orphanet 65284, MedGen C1843807, MONDO:0011841, OMIM 607483.

gnomAD v4.1: 3 of 1,614,044 alleles (0.00019%); highest among the groups gnomAD compares: Non-Finnish European, 0.00017%; no homozygotes.

Submission:

Labcorp Genetics (formerly Invitae), Labcorp
Classification: Uncertain significance for Biotin-responsive basal ganglia disease. Last evaluated: 2024-12-21. Review status: criteria provided, single submitter. Criteria: Invitae Variant Classification Sherloc (09022015). Collection method: clinical testing. Allele origin: germline.
Comment: This sequence change replaces isoleucine, which is neutral and non-polar, with methionine, which is neutral and non-polar, at codon 51 of the SLC19A3 protein (p.Ile51Met). This variant is not present in population databases (gnomAD no frequency). This missense change has been observed in individual(s) with SLC19A3-related conditions (PMID: 26657515). Invitae Evidence Modeling of protein sequence and biophysical properties (such as structural, functional, and spatial information, amino acid conservation, physicochemical variation, residue mobility, and thermodynamic stability) indicates that this missense variant is not expected to disrupt SLC19A3 protein function with a negative predictive value of 95%. In summary, the available evidence is currently insufficient to determine the role of this variant in disease. Therefore, it has been classified as a Variant of Uncertain Significance.

Literature cited by the submitters: PubMed 26657515.